The following is an entry in ClinVar:

NM_001330078.2(NRXN1):c.1158+307dup

Gene: NRXN1 (neurexin 1; minus strand). Cytogenetic location: 2p16.3.
Variant type: Duplication.
Coding change: c.1158+307dup on transcript NM_001330078.2 (MANE Select); 307 bases into the intron after coding-DNA position 1158, one base duplicated (G; older notation c.1158+307dupG).
Molecular consequence: intron variant.
Genome position (GRCh38, 1-based): chr2:50,620,919, C duplicated on the plus strand (G on the coding strand, the reverse complement: NRXN1 is on the minus strand). VCF-style (leftmost placement, unchanged base first): chr2-50620918-G-GC. GRCh37 (hg19) VCF-style: chr2-50848056-G-GC.
Other names: c.1075-736dup (NM_001330096.2, NM_001330087.2); c.1119+286dup (NM_001330083.2, NM_001330084.2); c.1105-736dup (NM_001330088.2); c.1155+307dup (NM_001330093.2); c.1146+307dup (NM_001330094.2); c.1135-736dup (NM_001330095.2, NM_001330082.2, NM_001330077.2); c.1158+307dup (NM_001330085.2, NM_004801.6, NM_001330086.2); c.1278+286dup (NM_001135659.3).
Identifiers: ClinVar variation 668651 (VCV000668651.1), dbSNP rs67879868, ClinGen allele CA47954525.

ClinVar aggregate classification (germline): Benign (1 of 4 stars; one submission).

Allele frequency attached by ClinVar (database versions not stated): 1000 Genomes Project 0.99980; gnomAD exomes 0.99998; TOPMed 0.99998; gnomAD 0.99999; 1000 Genomes Project 30x 1.00000.

Submission:

GeneDx
Classification: Benign. Last evaluated: 2018-06-18. Review status: criteria provided, single submitter. Criteria: GeneDx Variant Classification (06012015). Collection method: clinical testing. Allele origin: germline. Affected: yes.
Comment: This variant is considered likely benign or benign based on one or more of the following criteria: it is a conservative change, it occurs at a poorly conserved position in the protein, it is predicted to be benign by multiple in silico algorithms, and/or has population frequency not consistent with disease.